The following is an entry in ClinVar:

NM_005591.4(MRE11):c.397A>G (p.Thr133Ala)

Gene: MRE11 (MRE11 double strand break repair nuclease; minus strand). Cytogenetic location: 11q21.
Variant type: single nucleotide variant.
Coding change: c.397A>G on transcript NM_005591.4 (MANE Select); coding-DNA position 397, A replaced by G.
Protein change: p.Thr133Ala; replaces threonine 133 with alanine.
Molecular consequence: missense variant.
Genome position (GRCh38, 1-based): chr11:94,479,679, T>C on the plus strand (A>G on the coding strand, the complement: MRE11 is on the minus strand). VCF-style: chr11-94479679-T-C. GRCh37 (hg19) VCF-style: chr11-94212845-T-C.
Other names: c.397A>G, p.Thr133Ala (NM_001330347.2, NM_005590.4); short protein forms T133A.
Identifiers: ClinVar variation 1800258 (VCV001800258.2), dbSNP rs1369087579, ClinGen allele CA382378250.

ClinVar aggregate classification (germline): Uncertain significance (1 of 4 stars; one submission).

Conditions:
Hereditary cancer-predisposing syndrome. Also called: Neoplastic Syndromes, Hereditary; Tumor predisposition; Hereditary Cancer Syndrome; Hereditary neoplastic syndrome. Identifiers: Orphanet 140162, MedGen C0027672, MeSH D009386, MONDO:0015356.

Submission:

Ambry Genetics
Classification: Uncertain significance for Hereditary cancer-predisposing syndrome. Last evaluated: 2020-03-03. Review status: criteria provided, single submitter. Criteria: Ambry Variant Classification Scheme 2023. Collection method: clinical testing. Allele origin: germline.
Comment: The p.T133A variant (also known as c.397A>G), located in coding exon 4 of the MRE11A gene, results from an A to G substitution at nucleotide position 397. The threonine at codon 133 is replaced by alanine, an amino acid with similar properties. This amino acid position is highly conserved in available vertebrate species. In addition, the in silico prediction for this alteration is inconclusive. Since supporting evidence is limited at this time, the clinical significance of this alteration remains unclear.